The following is an entry in ClinVar:

NM_006922.4(SCN3A):c.1832T>C (p.Leu611Pro)

Gene: SCN3A (sodium voltage-gated channel alpha subunit 3; minus strand). Cytogenetic location: 2q24.3.
Variant type: single nucleotide variant.
Coding change: c.1832T>C on transcript NM_006922.4 (MANE Select); coding-DNA position 1832, T replaced by C.
Protein change: p.Leu611Pro; replaces leucine 611 with proline.
Molecular consequence: missense variant.
Genome position (GRCh38, 1-based): chr2:165,140,838, A>G on the plus strand (T>C on the coding strand, the complement: SCN3A is on the minus strand). VCF-style: chr2-165140838-A-G. GRCh37 (hg19) VCF-style: chr2-165997348-A-G.
Other names: c.1832T>C, p.Leu611Pro (NM_001081676.2, NM_001081677.2); short protein forms L611P.
Identifiers: ClinVar variation 4083126 (VCV004083126.1).

ClinVar aggregate classification (germline): Uncertain significance (1 of 4 stars; one submission).

Submission:

GeneDx
Classification: Uncertain significance. Last evaluated: 2025-03-11. Review status: criteria provided, single submitter. Criteria: GeneDx Variant Classification Process June 2021. Collection method: clinical testing. Allele origin: germline. Affected: yes.
Comment: Not observed at significant frequency in large population cohorts (gnomAD); In silico analysis supports that this missense variant has a deleterious effect on protein structure/function; Has not been previously published as pathogenic or benign to our knowledge